The following is an entry in ClinVar:

ClinVar aggregate classification (germline): Uncertain significance (1 of 4 stars; one submission).

Conditions:
Leukocyte adhesion deficiency type II. Also called: CDG IIc; CONGENITAL DISORDER OF GLYCOSYLATION, TYPE IIc; Congenital disorder of glycosylation type 2C; CDG 2C; Leukocyte adhesion deficiency type 2; Rambam Hasharon syndrome. Identifiers: Orphanet 2968, Orphanet 99843, MedGen C0398739, MONDO:0009953, OMIM 266265.

Submission:

Labcorp Genetics (formerly Invitae), Labcorp
Classification: Uncertain significance for Leukocyte adhesion deficiency type II. Last evaluated: 2022-10-24. Review status: criteria provided, single submitter. Criteria: Invitae Variant Classification Sherloc (09022015). Collection method: clinical testing. Allele origin: germline.
Comment: This variant has not been reported in the literature in individuals affected with SLC35C1-related conditions. In summary, the available evidence is currently insufficient to determine the role of this variant in disease. Therefore, it has been classified as a Variant of Uncertain Significance. Advanced modeling of protein sequence and biophysical properties (such as structural, functional, and spatial information, amino acid conservation, physicochemical variation, residue mobility, and thermodynamic stability) performed at Invitae indicates that this missense variant is expected to disrupt SLC35C1 protein function. ClinVar contains an entry for this variant (Variation ID: 1510238). This variant is not present in population databases (gnomAD no frequency). This sequence change replaces proline, which is neutral and non-polar, with threonine, which is neutral and polar, at codon 293 of the SLC35C1 protein (p.Pro293Thr).

NM_018389.5(SLC35C1):c.877C>A (p.Pro293Thr)

Gene: SLC35C1 (solute carrier family 35 member C1; plus strand). Cytogenetic location: 11p11.2.
Variant type: single nucleotide variant.
Coding change: c.877C>A on transcript NM_018389.5 (MANE Select); coding-DNA position 877, C replaced by A.
Protein change: p.Pro293Thr; replaces proline 293 with threonine.
Molecular consequence: missense variant.
Genome position (GRCh38, 1-based): chr11:45,811,117, C>A. VCF-style: chr11-45811117-C-A. GRCh37 (hg19) VCF-style: chr11-45832668-C-A.
Other names: c.838C>A, p.Pro280Thr (NM_001145265.2, NM_001145266.2); short protein forms P293T, P280T.
Identifiers: ClinVar variation 1510238 (VCV001510238.7), dbSNP rs2134598263, ClinGen allele CA380206551.